The following is an entry in ClinVar:

NM_019888.3(MC3R):c.651C>T (p.His217=)

Gene: MC3R (melanocortin 3 receptor; plus strand). Cytogenetic location: 20q13.2.
Variant type: single nucleotide variant.
Coding change: c.651C>T on transcript NM_019888.3 (MANE Select); coding-DNA position 651, C replaced by T.
Protein change: p.His217=; no amino-acid change (histidine 217 retained).
Molecular consequence: synonymous variant.
Genome position (GRCh38, 1-based): chr20:56,249,494, C>T. VCF-style: chr20-56249494-C-T. GRCh37 (hg19) VCF-style: chr20-54824550-C-T.
Identifiers: ClinVar variation 3350822 (VCV003350822.1).

ClinVar aggregate classification (germline): Likely benign (0 of 4 stars; one submission).

Conditions:
MC3R-related disorder. Also called: MC3R-related condition.

Submission:

PreventionGenetics, part of Exact Sciences
Classification: Likely benign for MC3R-related condition. Last evaluated: 2023-03-17. Review status: no assertion criteria provided. Collection method: clinical testing. Allele origin: germline.
Comment: This variant is classified as likely benign based on ACMG/AMP sequence variant interpretation guidelines (Richards et al. 2015 PMID: 25741868, with internal and published modifications).